The following is an entry in ClinVar:

ClinVar aggregate classification (germline): Pathogenic (1 of 4 stars; one submission).

Submission:

Labcorp Genetics (formerly Invitae), Labcorp
Classification: Pathogenic. Last evaluated: 2024-12-12. Review status: criteria provided, single submitter. Criteria: Invitae Variant Classification Sherloc (09022015). Collection method: clinical testing. Allele origin: germline.
Comment: This sequence change creates a premature translational stop signal (p.Asn641Lysfs*20) in the TELO2 gene. It is expected to result in an absent or disrupted protein product. Loss-of-function variants in TELO2 are known to be pathogenic (PMID: 28944240). This variant is not present in population databases (gnomAD no frequency). This variant has not been reported in the literature in individuals affected with TELO2-related conditions. For these reasons, this variant has been classified as Pathogenic.

Literature cited by the submitters: PubMed 28944240.

NM_016111.4(TELO2):c.1922dup (p.Asn641fs)

Gene: TELO2 (telomere maintenance 2; plus strand). Cytogenetic location: 16p13.3.
Variant type: Duplication.
Coding change: c.1922dup on transcript NM_016111.4 (MANE Select); coding-DNA position 1922, one base duplicated (A; older notation c.1922dupA).
Protein change: p.Asn641fs; shifts the reading frame from asparagine 641.
Molecular consequence: frameshift variant.
Genome position (GRCh38, 1-based): chr16:1,505,489, A duplicated; the last of 2 consecutive A bases (chr16:1,505,488-1,505,489); duplicating either gives the same sequence. VCF-style (leftmost placement, unchanged base first): chr16-1505487-C-CA. GRCh37 (hg19) VCF-style: chr16-1555488-C-CA.
Other names: c.1922dup, p.Asn641fs (NM_001351846.2); short protein forms N641fs.
Identifiers: ClinVar variation 3661655 (VCV003661655.2).
Genomic context (GRCh38, chr16:1,505,487, plus strand): 5'-CCAGGAGCTGTCTAGGCCTGGGTGCCTCGGGAGGACTCCCCAACCTGGCTCCCCAAGTCC[C>CA]AACACCCCGTGCCTGCCAGAGGCAGCCGTCTCTCAGCCTGGCAGTGCCGTGGCGTCTGAC-3'